The following is an entry in ClinVar:

ClinVar aggregate classification (germline): Uncertain significance. Review status: criteria provided, multiple submitters, no conflicts (2 of 4 stars). 2 submissions from 2 submitters: Uncertain significance (2). Last evaluated 2025-08-27.

Conditions:
D-2-hydroxyglutaric aciduria 2 (D2HGA2). Identifiers: Orphanet 79315, MedGen C3150909, MONDO:0013345, OMIM 613657.

Allele frequency attached by ClinVar (database versions not stated): TOPMed 0.00006; ExAC 0.00007; ESP Exome Variant Server 0.00023; gnomAD 0.00005.
gnomAD v4.1: 39 of 1,614,028 alleles (0.0024%); highest among the groups gnomAD compares: South Asian, 0.013%; 1 homozygote.

Submissions (2):

Labcorp Genetics (formerly Invitae), Labcorp
Classification: Uncertain significance for D-2-hydroxyglutaric aciduria 2. Last evaluated: 2025-08-27. Review status: criteria provided, single submitter. Criteria: Invitae Variant Classification Sherloc (09022015). Collection method: clinical testing. Allele origin: germline.
Comment: This sequence change replaces alanine, which is neutral and non-polar, with threonine, which is neutral and polar, at codon 214 of the IDH2 protein (p.Ala214Thr). This variant is present in population databases (rs367982647, gnomAD 0.02%). This variant has not been reported in the literature in individuals affected with IDH2-related conditions. ClinVar contains an entry for this variant (Variation ID: 2691697). Invitae Evidence Modeling of protein sequence and biophysical properties (such as structural, functional, and spatial information, amino acid conservation, physicochemical variation, residue mobility, and thermodynamic stability) indicates that this missense variant is not expected to disrupt IDH2 protein function with a negative predictive value of 80%. In summary, the available evidence is currently insufficient to determine the role of this variant in disease. Therefore, it has been classified as a Variant of Uncertain Significance.

Women's Health and Genetics/Laboratory Corporation of America, LabCorp
Classification: Uncertain significance. Last evaluated: 2023-12-14. Review status: criteria provided, single submitter. Criteria: LabCorp Variant Classification Summary - May 2015. Collection method: clinical testing. Allele origin: germline.
Comment: Variant summary: IDH2 c.640G>A (p.Ala214Thr) results in a non-conservative amino acid change located in the Isopropylmalate dehydrogenase-like domain (IPR024084) of the encoded protein sequence. Four of five in-silico tools predict a benign effect of the variant on protein function. The variant allele was found at a frequency of 5.6e-05 in 251348 control chromosomes in the gnomAD database, including 1 homozygote. To our knowledge, no occurrence of c.640G>A in individuals affected with D-2-hydroxyglutaric aciduria 2 and no experimental evidence demonstrating its impact on protein function have been reported. No submitters have cited clinical-significance assessments for this variant to ClinVar after 2014. Based on the evidence outlined above, the variant was classified as uncertain significance.

NM_002168.4(IDH2):c.640G>A (p.Ala214Thr)

Gene: IDH2 (isocitrate dehydrogenase (NADP(+)) 2; minus strand). Cytogenetic location: 15q26.1.
Variant type: single nucleotide variant.
Coding change: c.640G>A on transcript NM_002168.4 (MANE Select); coding-DNA position 640, G replaced by A.
Protein change: p.Ala214Thr; replaces alanine 214 with threonine.
Molecular consequence: missense variant.
Genome position (GRCh38, 1-based): chr15:90,088,397, C>T on the plus strand (G>A on the coding strand, the complement: IDH2 is on the minus strand). VCF-style: chr15-90088397-C-T. GRCh37 (hg19) VCF-style: chr15-90631629-C-T.
Other names: c.484G>A, p.Ala162Thr (NM_001289910.1); c.250G>A, p.Ala84Thr (NM_001290114.2); short protein forms A162T, A214T, A84T.
Identifiers: ClinVar variation 2691697 (VCV002691697.3), dbSNP rs367982647, ClinGen allele CA7733124.